The following is an entry in ClinVar:

ClinVar aggregate classification (germline): Uncertain significance. Review status: criteria provided, multiple submitters, no conflicts (2 of 4 stars). 2 submissions from 2 submitters: Uncertain significance (2). Last evaluated 2025-06-15.

Conditions:
Baller-Gerold syndrome (BGS). Also called: CRANIOSYNOSTOSIS WITH RADIAL DEFECTS. Identifiers: Orphanet 1225, MedGen C0265308, MONDO:0009039, OMIM 218600.
Inborn genetic diseases. Identifiers: MedGen C0950123, MeSH D030342.

Submissions (2):

Ambry Genetics
Classification: Uncertain significance for Inborn genetic diseases. Last evaluated: 2025-06-15. Review status: criteria provided, single submitter. Criteria: Ambry Variant Classification Scheme 2023. Collection method: clinical testing. Allele origin: germline.
Comment: The p.P964L variant (also known as c.2891C>T), located in coding exon 17 of the RECQL4 gene, results from a C to T substitution at nucleotide position 2891. The proline at codon 964 is replaced by leucine, an amino acid with similar properties. This amino acid position is conserved. In addition, the in silico prediction for this alteration is inconclusive. Based on the available evidence, the clinical significance of this variant remains unclear.

Labcorp Genetics (formerly Invitae), Labcorp
Classification: Uncertain significance for Baller-Gerold syndrome. Last evaluated: 2023-01-17. Review status: criteria provided, single submitter. Criteria: Invitae Variant Classification Sherloc (09022015). Collection method: clinical testing. Allele origin: germline.
Comment: This sequence change replaces proline, which is neutral and non-polar, with leucine, which is neutral and non-polar, at codon 964 of the RECQL4 protein (p.Pro964Leu). This variant is present in population databases (no rsID available, gnomAD 0.003%). This variant has not been reported in the literature in individuals affected with RECQL4-related conditions. Advanced modeling of protein sequence and biophysical properties (such as structural, functional, and spatial information, amino acid conservation, physicochemical variation, residue mobility, and thermodynamic stability) performed at Invitae indicates that this missense variant is not expected to disrupt RECQL4 protein function. In summary, the available evidence is currently insufficient to determine the role of this variant in disease. Therefore, it has been classified as a Variant of Uncertain Significance.

NM_004260.4(RECQL4):c.2891C>T (p.Pro964Leu)

Gene: RECQL4 (RecQ like helicase 4; minus strand). Cytogenetic location: 8q24.3.
Variant type: single nucleotide variant.
Coding change: c.2891C>T on transcript NM_004260.4 (MANE Select); coding-DNA position 2891, C replaced by T.
Protein change: p.Pro964Leu; replaces proline 964 with leucine.
Molecular consequence: missense variant.
Genome position (GRCh38, 1-based): chr8:144,512,556, G>A on the plus strand (C>T on the coding strand, the complement: RECQL4 is on the minus strand). VCF-style: chr8-144512556-G-A. GRCh37 (hg19) VCF-style: chr8-145737939-G-A.
Other names: c.2891C>T (NM_004260.3); c.2597C>T, p.Pro866Leu (NM_001413017.1); c.2693C>T, p.Pro898Leu (NM_001413018.1); c.2966C>T, p.Pro989Leu (NM_001413019.1); c.2795C>T, p.Pro932Leu (NM_001413020.1); c.1820C>T, p.Pro607Leu (NM_001413021.1, NM_001413022.1, NM_001413024.1 and 4 more transcripts); c.1895C>T, p.Pro632Leu (NM_001413023.1); c.2762C>T, p.Pro921Leu (NM_001413025.1); and 10 more; short protein forms P585L, P610L, P632L, P920L, P932L, P475L, P607L, P847L.
Identifiers: ClinVar variation 2000316 (VCV002000316.5), dbSNP rs1428730422, ClinGen allele CA372673668.